The following is an entry in ClinVar:

ClinVar aggregate classification (germline): Uncertain significance (1 of 4 stars; one submission).

Conditions:
Shprintzen-Goldberg syndrome (SGS). Also called: CRANIOSYNOSTOSIS WITH ARACHNODACTYLY AND ABDOMINAL HERNIAS; SHPRINTZEN-GOLDBERG CRANIOSYNOSTOSIS SYNDROME; Marfanoid disorder with craniosynostosis type 1; Marfanoid craniosynostosis syndrome; Shprintzen-Goldberg marfanoid syndrome. Identifiers: Orphanet 2462, MedGen C1321551, MONDO:0008426, OMIM 182212.

Allele frequency attached by ClinVar (database versions not stated): TOPMed below 0.00001.
gnomAD v4.1: 1 of 1,553,896 alleles (0.000064%); highest among the groups gnomAD compares: Non-Finnish European, 0.000087%; no homozygotes.

Submission:

Labcorp Genetics (formerly Invitae), Labcorp
Classification: Uncertain significance for Shprintzen-Goldberg syndrome. Last evaluated: 2025-08-11. Review status: criteria provided, single submitter. Criteria: Invitae Variant Classification Sherloc (09022015). Collection method: clinical testing. Allele origin: germline.
Comment: This sequence change replaces proline, which is neutral and non-polar, with leucine, which is neutral and non-polar, at codon 531 of the SKI protein (p.Pro531Leu). This variant is not present in population databases (gnomAD no frequency). This variant has not been reported in the literature in individuals affected with SKI-related conditions. ClinVar contains an entry for this variant (Variation ID: 1719703). Invitae Evidence Modeling of protein sequence and biophysical properties (such as structural, functional, and spatial information, amino acid conservation, physicochemical variation, residue mobility, and thermodynamic stability) indicates that this missense variant is not expected to disrupt SKI protein function with a negative predictive value of 95%. In summary, the available evidence is currently insufficient to determine the role of this variant in disease. Therefore, it has been classified as a Variant of Uncertain Significance.

NM_003036.4(SKI):c.1592C>T (p.Pro531Leu)

Gene: SKI (SKI proto-oncogene; plus strand). Cytogenetic location: 1p36.32.
Variant type: single nucleotide variant.
Coding change: c.1592C>T on transcript NM_003036.4 (MANE Select); coding-DNA position 1592, C replaced by T.
Protein change: p.Pro531Leu; replaces proline 531 with leucine.
Molecular consequence: missense variant.
Genome position (GRCh38, 1-based): chr1:2,304,410, C>T. VCF-style: chr1-2304410-C-T. GRCh37 (hg19) VCF-style: chr1-2235849-C-T.
Other names: short protein forms P531L.
Identifiers: ClinVar variation 1719703 (VCV001719703.5), dbSNP rs754831139, ClinGen allele CA16896733.